The following is an entry in ClinVar:

NM_014714.4(IFT140):c.1537_1538insTT (p.Gln513fs)

Gene: IFT140 (intraflagellar transport 140; minus strand). Cytogenetic location: 16p13.3.
Variant type: Insertion.
Coding change: c.1537_1538insTT on transcript NM_014714.4 (MANE Select); coding-DNA positions 1537 to 1538, TT inserted.
Protein change: p.Gln513fs; shifts the reading frame from glutamine 513.
Molecular consequence: frameshift variant.
Genome position: GRCh38 VCF-style: chr16-1571521-T-TAA. GRCh37 (hg19) VCF-style: chr16-1621522-T-TAA.
Other names: short protein forms Q513fs.
Identifiers: ClinVar variation 5038231 (VCV005038231.1).

ClinVar aggregate classification (germline): Likely pathogenic (1 of 4 stars; one submission).

Conditions:
Polycystic kidney disease 9, susceptibility to. Identifiers: MedGen C6012712, MONDO:0976267, OMIM 621164.

Submission:

MVZ Medizinische Genetik Mainz
Classification: Likely pathogenic for Polycystic kidney disease 9, susceptibility to. Last evaluated: 2026-06-17. Review status: criteria provided, single submitter. Criteria: UK Practice Guidelines For Variant Classification V4 01 2020. Collection method: clinical testing. Allele origin: germline. Inheritance: Autosomal dominant inheritance. Affected: yes. Observed: 1 variant allele.
Comment: ACMG Criteria: PVS1,PM2_SUP